The following is an entry in ClinVar:

ClinVar aggregate classification (germline): Uncertain significance (1 of 4 stars; one submission).

Submission:

Labcorp Genetics (formerly Invitae), Labcorp
Classification: Uncertain significance. Last evaluated: 2024-05-05. Review status: criteria provided, single submitter. Criteria: Invitae Variant Classification Sherloc (09022015). Collection method: clinical testing. Allele origin: germline.
Comment: This sequence change replaces asparagine, which is neutral and polar, with lysine, which is basic and polar, at codon 642 of the CLCN6 protein (p.Asn642Lys). This variant is not present in population databases (gnomAD no frequency). This variant has not been reported in the literature in individuals affected with CLCN6-related conditions. An algorithm developed to predict the effect of missense changes on protein structure and function (PolyPhen-2) suggests that this variant is likely to be tolerated. In summary, the available evidence is currently insufficient to determine the role of this variant in disease. Therefore, it has been classified as a Variant of Uncertain Significance.

NM_001286.5(CLCN6):c.1926C>G (p.Asn642Lys)

Gene: CLCN6 (chloride voltage-gated channel 6; plus strand). Cytogenetic location: 1p36.22.
Variant type: single nucleotide variant.
Coding change: c.1926C>G on transcript NM_001286.5 (MANE Select); coding-DNA position 1926, C replaced by G.
Protein change: p.Asn642Lys; replaces asparagine 642 with lysine.
Molecular consequence: missense variant. On other transcripts: non-coding transcript variant (1).
Genome position (GRCh38, 1-based): chr1:11,836,099, C>G. VCF-style: chr1-11836099-C-G. GRCh37 (hg19) VCF-style: chr1-11896156-C-G.
Other names: c.1860C>G, p.Asn620Lys (NM_001256959.2); short protein forms N620K, N642K.
Identifiers: ClinVar variation 3612796 (VCV003612796.2).